The following is an entry in ClinVar:

ClinVar aggregate classification (germline): Likely pathogenic (1 of 4 stars; one submission).

Submissions (2):

Labcorp Genetics (formerly Invitae), Labcorp
Classification: Likely pathogenic. Last evaluated: 2022-01-28. Review status: criteria provided, single submitter. Criteria: Invitae Variant Classification Sherloc (09022015). Collection method: clinical testing. Allele origin: germline.
Comment: This sequence change affects a donor splice site in intron 6 of the NDUFAF5 gene. It is expected to disrupt RNA splicing. Variants that disrupt the donor or acceptor splice site typically lead to a loss of protein function (PMID: 16199547), and loss-of-function variants in NDUFAF5 are known to be pathogenic (PMID: 26275793, 30473481, 32918965). This variant is not present in population databases (gnomAD no frequency). This variant has not been reported in the literature in individuals affected with NDUFAF5-related conditions. Algorithms developed to predict the effect of sequence changes on RNA splicing suggest that this variant may disrupt the consensus splice site. In summary, the currently available evidence indicates that the variant is pathogenic, but additional data are needed to prove that conclusively. Therefore, this variant has been classified as Likely Pathogenic.

Dr. Peter K. Rogan Lab, Western University
No classification provided (evidence only). Condition: Thyroid cancer, nonmedullary, 1. Review status: no classification provided. Collection method: in vitro. Allele origin: not applicable. Functional consequence: retained intron. Not counted in ClinVar's aggregate classification.

Literature cited by the submitters: PubMed 16199547 (cited by Labcorp Genetics (formerly Invitae), Labcorp); PubMed 26275793 (cited by Labcorp Genetics (formerly Invitae), Labcorp); PubMed 30473481 (cited by Labcorp Genetics (formerly Invitae), Labcorp); PubMed 32918965 (cited by Labcorp Genetics (formerly Invitae), Labcorp).

NM_024120.5(NDUFAF5):c.519+1G>A

Gene: NDUFAF5 (NADH:ubiquinone oxidoreductase complex assembly factor 5; plus strand). Cytogenetic location: 20p12.1.
Variant type: single nucleotide variant.
Coding change: c.519+1G>A on transcript NM_024120.5 (MANE Select); the canonical splice donor site of the intron after coding-DNA position 519, G replaced by A.
Molecular consequence: splice donor variant.
Genome position (GRCh38, 1-based): chr20:13,798,501, G>A. VCF-style: chr20-13798501-G-A. GRCh37 (hg19) VCF-style: chr20-13779147-G-A.
Other names: c.-43+1G>A (NM_001352407.2, NM_001352406.2); c.435+1G>A (NM_001039375.3); c.48+1G>A (NM_001352403.2); c.519+1G>A (NM_001352408.2).
Identifiers: ClinVar variation 2428237 (VCV002428237.8), dbSNP rs2516171041, ClinGen allele CA408270257.
Genomic context (GRCh38, chr20:13,798,501, plus strand): 5'-TCTGTATTCTCATATTTTAGTTTGCATTGGGTGAATGACCTTCCTAGAGCACTTGAGCAG[G>A]TAAGAAAACTTATGTTCATTCAACTATCTTGTGTTATTTTCTTTATTGTTAGAAATCTAC-3'